The following is an entry in ClinVar:

NM_001371928.1(AHDC1):c.2973C>T (p.Asp991=)

Gene: AHDC1 (AT-hook DNA binding motif containing 1; minus strand). Cytogenetic location: 1p36.11.
Variant type: single nucleotide variant.
Coding change: c.2973C>T on transcript NM_001371928.1 (MANE Select); coding-DNA position 2973, C replaced by T.
Protein change: p.Asp991=; no amino-acid change (aspartic acid 991 retained).
Molecular consequence: synonymous variant.
Genome position (GRCh38, 1-based): chr1:27,549,143, G>A on the plus strand (C>T on the coding strand, the complement: AHDC1 is on the minus strand). VCF-style: chr1-27549143-G-A. GRCh37 (hg19) VCF-style: chr1-27875654-G-A.
Other names: c.2973C>T, p.Asp991= (NM_001029882.3).
Identifiers: ClinVar variation 2015262 (VCV002015262.28), dbSNP rs2019368588, ClinGen allele CA416978335.

ClinVar aggregate classification (germline): Likely benign. Review status: criteria provided, multiple submitters, no conflicts (2 of 4 stars). 2 submissions from 2 submitters: Likely benign (2). Last evaluated 2023-10-01.

Allele frequency attached by ClinVar (database versions not stated): gnomAD 0.00001; gnomAD exomes 0.00001.
gnomAD v4.1: 8 of 1,561,932 alleles (0.00051%); highest among the groups gnomAD compares: East Asian, 0.016%; no homozygotes.

Submissions (2):

CeGaT Center for Human Genetics Tuebingen
Classification: Likely benign. Last evaluated: 2023-10-01. Review status: criteria provided, single submitter. Criteria: CeGaT Center For Human Genetics Tuebingen Variant Classification Criteria Version 2. Collection method: clinical testing. Allele origin: germline. Affected: yes. Observed: 1 variant allele.
Comment: AHDC1: BP4

Labcorp Genetics (formerly Invitae), Labcorp
Classification: Likely benign. Last evaluated: 2022-02-21. Review status: criteria provided, single submitter. Criteria: Invitae Variant Classification Sherloc (09022015). Collection method: clinical testing. Allele origin: germline.